The following is an entry in ClinVar:

NM_005585.5(SMAD6):c.1072T>A (p.Tyr358Asn)

Gene: SMAD6 (SMAD family member 6; plus strand). Cytogenetic location: 15q22.31.
Variant type: single nucleotide variant.
Coding change: c.1072T>A on transcript NM_005585.5 (MANE Select); coding-DNA position 1072, T replaced by A.
Protein change: p.Tyr358Asn; replaces tyrosine 358 with asparagine.
Molecular consequence: missense variant. On other transcripts: non-coding transcript variant (1).
Genome position (GRCh38, 1-based): chr15:66,781,116, T>A. VCF-style: chr15-66781116-T-A. GRCh37 (hg19) VCF-style: chr15-67073454-T-A.
Other names: short protein forms Y358N.
Identifiers: ClinVar variation 3798830 (VCV003798830.1).
Genomic context (GRCh38, chr15:66,781,116, plus strand): 5'-GAGCACCGGACGCGCGTGGGCCGCCTCTATGCGGTGTACGACCAGGCCGTCAGCATCTTC[T>A]ACGACCTACCTCAGGGCAGCGGCTTCTGCCTGGGCCAGCTCAACCTGGAGCAGCGCAGCG-3'
Protein context (NP_005576.3, residues 348-368): AVYDQAVSIF[Tyr358Asn]DLPQGSGFCL

ClinVar aggregate classification (germline): Uncertain significance (1 of 4 stars; one submission).

Conditions:
Inborn genetic diseases. Identifiers: MedGen C0950123, MeSH D030342.

Submission:

Ambry Genetics
Classification: Uncertain significance for Inborn genetic diseases. Last evaluated: 2025-01-28. Review status: criteria provided, single submitter. Criteria: Ambry Variant Classification Scheme 2023. Collection method: clinical testing. Allele origin: germline.
Comment: The p.Y358N variant (also known as c.1072T>A), located in coding exon 4 of the SMAD6 gene, results from a T to A substitution at nucleotide position 1072. The tyrosine at codon 358 is replaced by asparagine, an amino acid with dissimilar properties. This amino acid position is conserved. In addition, this alteration is predicted to be deleterious by in silico analysis. Based on the available evidence, the clinical significance of this variant remains unclear.